The following is an entry in ClinVar:

NM_000057.4(BLM):c.1893A>G (p.Ala631=)

Gene: BLM (BLM RecQ like helicase; plus strand). Cytogenetic location: 15q26.1.
Variant type: single nucleotide variant.
Coding change: c.1893A>G on transcript NM_000057.4 (MANE Select); coding-DNA position 1893, A replaced by G.
Protein change: p.Ala631=; no amino-acid change (alanine 631 retained).
Molecular consequence: synonymous variant.
Genome position (GRCh38, 1-based): chr15:90,762,976, A>G. VCF-style: chr15-90762976-A-G. GRCh37 (hg19) VCF-style: chr15-91306206-A-G.
Other names: c.1893A>G, p.Ala631= (NM_001287246.2, NM_001287247.2); c.768A>G, p.Ala256= (NM_001287248.2).
Identifiers: ClinVar variation 4085762 (VCV004085762.8).
Genomic context (GRCh38, chr15:90,762,976, plus strand): 5'-TTTCACTGTATTCATGTACTGATTTTTCTTAACGTTGATTATTTTCCTAGACAAGTCAGC[A>G]CAAAATTTAGCATCCAGAAATCTGAAACATGAGCGTTTCCAAAGTCTTAGTTTTCCTCAT-3'
Protein context (NP_000048.1, residues 621-641): ESIQNYTDKS[Ala631=]QNLASRNLKH

ClinVar aggregate classification (germline): Likely benign (1 of 4 stars; one submission).

Submission:

CeGaT Center for Human Genetics Tuebingen
Classification: Likely benign. Last evaluated: 2025-08-01. Review status: criteria provided, single submitter. Criteria: CeGaT Center For Human Genetics Tuebingen Variant Classification Criteria Version 2. Collection method: clinical testing. Allele origin: germline. Affected: yes. Observed: 1 variant allele.
Comment: BLM: PM2:Supporting, BP4, BP7